The following is an entry in ClinVar:

NM_003235.5(TG):c.2269G>A (p.Asp757Asn)

Gene: TG (thyroglobulin; plus strand). Cytogenetic location: 8q24.22.
Variant type: single nucleotide variant.
Coding change: c.2269G>A on transcript NM_003235.5 (MANE Select); coding-DNA position 2269, G replaced by A.
Protein change: p.Asp757Asn; replaces aspartic acid 757 with asparagine.
Molecular consequence: missense variant.
Genome position (GRCh38, 1-based): chr8:132,888,076, G>A. VCF-style: chr8-132888076-G-A. GRCh37 (hg19) VCF-style: chr8-133900321-G-A.
Other names: short protein forms D757N.
Identifiers: ClinVar variation 3384756 (VCV003384756.2).

ClinVar aggregate classification (germline): Uncertain significance (1 of 4 stars; one submission).

gnomAD v4.1: 56 of 1,613,916 alleles (0.0035%); highest among the groups gnomAD compares: Admixed American, 0.025%; no homozygotes.

Submission:

Women's Health and Genetics/Laboratory Corporation of America, LabCorp
Classification: Uncertain significance. Last evaluated: 2026-04-27. Review status: criteria provided, single submitter. Criteria: LabCorp Variant Classification Summary - May 2015. Collection method: clinical testing. Allele origin: germline.
Comment: Variant summary: TG c.2269G>A (p.Asp757Asn) results in a conservative amino acid change located in the Thyroglobulin type-1 repeat domain (IPR000716) of the encoded protein sequence. Algorithms developed to predict the effect of missense changes on protein structure and function all suggest that this variant is likely to be tolerated. The variant allele was found at a frequency of 7.6e-05 in 251260 control chromosomes (gnomAD). This frequency is not significantly higher than estimated for disease-causing variants in TG, allowing no conclusion about variant significance. c.2269G>A has been reported in the literature in an individual affected with congenital hypothyroidism, however this patient also carried another variant in a different gene (Zhang_2021). The report does not provide unequivocal conclusions about association of the variant with TG-Related Disorders. To our knowledge, no experimental evidence demonstrating an impact on protein function has been reported. The following publication have been ascertained in the context of this evaluation (PMID: 34374102). ClinVar contains an entry for this variant (Variation ID: 3384756). Based on the evidence outlined above, the variant was classified as uncertain significance.

Literature cited by the submitters: PubMed 34374102.